The following is an entry in ClinVar:

ClinVar aggregate classification (germline): Uncertain significance (1 of 4 stars; one submission).

Submission:

GeneDx
Classification: Uncertain significance. Last evaluated: 2024-11-06. Review status: criteria provided, single submitter. Criteria: GeneDx Variant Classification Process June 2021. Collection method: clinical testing. Allele origin: germline. Affected: yes.
Comment: Not observed at significant frequency in large population cohorts (gnomAD); In silico analysis indicates that this missense variant does not alter protein structure/function; Has not been previously published as pathogenic or benign to our knowledge

NM_014905.5(GLS):c.1222G>C (p.Val408Leu)

Gene: GLS (glutaminase; plus strand). Cytogenetic location: 2q32.2.
Variant type: single nucleotide variant.
Coding change: c.1222G>C on transcript NM_014905.5 (MANE Select); coding-DNA position 1222, G replaced by C.
Protein change: p.Val408Leu; replaces valine 408 with leucine.
Molecular consequence: missense variant.
Genome position (GRCh38, 1-based): chr2:190,924,567, G>C. VCF-style: chr2-190924567-G-C. GRCh37 (hg19) VCF-style: chr2-191789293-G-C.
Other names: c.1222G>C, p.Val408Leu (NM_001256310.2); short protein forms V408L.
Identifiers: ClinVar variation 3899062 (VCV003899062.1).